The following is an entry in ClinVar:

NM_001365999.1(SZT2):c.6038A>G (p.Tyr2013Cys)

Gene: SZT2 (SZT2 subunit of KICSTOR complex; plus strand). Cytogenetic location: 1p34.2.
Variant type: single nucleotide variant.
Coding change: c.6038A>G on transcript NM_001365999.1 (MANE Select); coding-DNA position 6038, A replaced by G.
Protein change: p.Tyr2013Cys; replaces tyrosine 2013 with cysteine.
Molecular consequence: missense variant.
Genome position (GRCh38, 1-based): chr1:43,437,174, A>G. VCF-style: chr1-43437174-A-G. GRCh37 (hg19) VCF-style: chr1-43902845-A-G.
Other names: c.5867A>G, p.Tyr1956Cys (NM_015284.4); short protein forms Y1956C, Y2013C.
Identifiers: ClinVar variation 589024 (VCV000589024.5), dbSNP rs760231088, ClinGen allele CA809788.

ClinVar aggregate classification (germline): Uncertain significance (1 of 4 stars; one submission).

Conditions:
Inborn genetic diseases. Identifiers: MedGen C0950123, MeSH D030342.

Allele frequency attached by ClinVar (database versions not stated): gnomAD exomes below 0.00001; ExAC 0.00001.

Submission:

Ambry Genetics
Classification: Uncertain significance for Inborn genetic diseases. Last evaluated: 2017-05-05. Review status: criteria provided, single submitter. Criteria: Ambry Variant Classification Scheme 2023. Collection method: clinical testing. Allele origin: germline.
Comment: The p.Y1956C variant (also known as c.5867A>G), located in coding exon 42 of the SZT2 gene, results from an A to G substitution at nucleotide position 5867. The tyrosine at codon 1956 is replaced by cysteine, an amino acid with highly dissimilar properties. This amino acid position is highly conserved in available vertebrate species. In addition, the in silico prediction for this alteration is inconclusive. Since supporting evidence is limited at this time, the clinical significance of this alteration remains unclear.